The following is an entry in ClinVar:

NM_020320.5(RARS2):c.394A>G (p.Ser132Gly)

Gene: RARS2 (arginyl-tRNA synthetase 2, mitochondrial; minus strand). Cytogenetic location: 6q15.
Variant type: single nucleotide variant.
Coding change: c.394A>G on transcript NM_020320.5 (MANE Select); coding-DNA position 394, A replaced by G.
Protein change: p.Ser132Gly; replaces serine 132 with glycine.
Molecular consequence: missense variant. On other transcripts: 5 prime UTR variant (7), non-coding transcript variant (23).
Genome position (GRCh38, 1-based): chr6:87,555,409, T>C on the plus strand (A>G on the coding strand, the complement: RARS2 is on the minus strand). VCF-style: chr6-87555409-T-C. GRCh37 (hg19) VCF-style: chr6-88265127-T-C.
Other names: c.-76A>G (NM_001318785.2, NM_001350509.2); c.394A>G, p.Ser132Gly (NM_001350505.2); c.-132A>G (NM_001350506.2, NM_001350507.2, NM_001350510.2 and 1 more transcripts); c.-294A>G (NM_001350508.2); short protein forms S132G.
Identifiers: ClinVar variation 2159437 (VCV002159437.1), dbSNP rs978723586, ClinGen allele CA142870490.

ClinVar aggregate classification (germline): Uncertain significance (1 of 4 stars; one submission).

Allele frequency attached by ClinVar (database versions not stated): gnomAD 0.00001; gnomAD exomes 0.00001; TOPMed 0.00002.
gnomAD v4.1: 10 of 1,612,712 alleles (0.00062%); highest among the groups gnomAD compares: Admixed American, 0.01%; no homozygotes.

Submission:

Labcorp Genetics (formerly Invitae), Labcorp
Classification: Uncertain significance. Last evaluated: 2022-07-18. Review status: criteria provided, single submitter. Criteria: Invitae Variant Classification Sherloc (09022015). Collection method: clinical testing. Allele origin: germline.
Comment: This sequence change replaces serine, which is neutral and polar, with glycine, which is neutral and non-polar, at codon 132 of the RARS2 protein (p.Ser132Gly). This variant is present in population databases (no rsID available, gnomAD 0.01%). This variant has not been reported in the literature in individuals affected with RARS2-related conditions. Algorithms developed to predict the effect of missense changes on protein structure and function (SIFT, PolyPhen-2, Align-GVGD) all suggest that this variant is likely to be disruptive. Algorithms developed to predict the effect of sequence changes on RNA splicing suggest that this variant may disrupt the consensus splice site. In summary, the available evidence is currently insufficient to determine the role of this variant in disease. Therefore, it has been classified as a Variant of Uncertain Significance.